The following is an entry in ClinVar:

NM_005033.3(EXOSC9):c.1098del (p.Ile367fs)

Gene: EXOSC9 (exosome component 9; plus strand). Cytogenetic location: 4q27.
Variant type: Deletion.
Coding change: c.1098del on transcript NM_005033.3 (MANE Select); coding-DNA position 1098, one base deleted (C; older notation c.1098delC).
Protein change: p.Ile367fs; shifts the reading frame from isoleucine 367.
Molecular consequence: frameshift variant.
Genome position (GRCh38, 1-based): chr4:121,813,989, C deleted. VCF-style (leftmost placement, unchanged base first): chr4-121813988-TC-T. GRCh37 (hg19) VCF-style: chr4-122735143-TC-T.
Other names: c.1098del, p.Ile367fs (NM_001034194.2); short protein forms I367fs.
Identifiers: ClinVar variation 2878488 (VCV002878488.3), dbSNP rs1724367933, ClinGen allele CA1490009133.

ClinVar aggregate classification (germline): Pathogenic (1 of 4 stars; one submission).

Allele frequency attached by ClinVar (database versions not stated): TOPMed below 0.00001.

Submission:

Labcorp Genetics (formerly Invitae), Labcorp
Classification: Pathogenic. Last evaluated: 2022-11-23. Review status: criteria provided, single submitter. Criteria: Invitae Variant Classification Sherloc (09022015). Collection method: clinical testing. Allele origin: germline.
Comment: This sequence change creates a premature translational stop signal (p.Ile367Phefs*5) in the EXOSC9 gene. It is expected to result in an absent or disrupted protein product. Loss-of-function variants in EXOSC9 are known to be pathogenic (PMID: 29727687, 33040083). This variant is not present in population databases (gnomAD no frequency). This variant has not been reported in the literature in individuals affected with EXOSC9-related conditions. For these reasons, this variant has been classified as Pathogenic.

Literature cited by the submitters: PubMed 29727687; PubMed 33040083.